The following is an entry in ClinVar:

NM_138694.4(PKHD1):c.5478G>A (p.Ala1826=)

Gene: PKHD1 (PKHD1 ciliary IPT domain containing fibrocystin/polyductin; minus strand). Cytogenetic location: 6p12.2.
Variant type: single nucleotide variant.
Coding change: c.5478G>A on transcript NM_138694.4 (MANE Select); coding-DNA position 5478, G replaced by A.
Protein change: p.Ala1826=; no amino-acid change (alanine 1826 retained).
Molecular consequence: synonymous variant.
Genome position (GRCh38, 1-based): chr6:52,017,532, C>T on the plus strand (G>A on the coding strand, the complement: PKHD1 is on the minus strand). VCF-style: chr6-52017532-C-T. GRCh37 (hg19) VCF-style: chr6-51882330-C-T.
Other names: c.5478G>A, p.Ala1826= (NM_170724.3).
Identifiers: ClinVar variation 289814 (VCV000289814.24), dbSNP rs137925439, ClinGen allele CA3852504.

ClinVar aggregate classification (germline): Conflicting classifications of pathogenicity. Review status: criteria provided, conflicting classifications (1 of 4 stars). 8 submissions from 8 submitters: Uncertain significance (2); Benign (1); Likely benign (2). 3 of the submissions do not count toward it. Last evaluated 2026-10-01.

Conditions:
Autosomal recessive polycystic kidney disease (ARPKD). Also called: AR polycystic kidney disease. Identifiers: Orphanet 731, Orphanet 8378, MedGen C0085548, MeSH D017044, MONDO:0009889.

Allele frequency attached by ClinVar (database versions not stated): 1000 Genomes Project 30x 0.00062; TOPMed 0.00073; 1000 Genomes Project 0.00080; ESP Exome Variant Server 0.00085; gnomAD 0.00102.
gnomAD v4.1: 2,441 of 1,614,030 alleles (0.15%); highest among the groups gnomAD compares: Non-Finnish European, 0.19%; 4 homozygotes.

Submissions (8):

CeGaT Center for Human Genetics Tuebingen
Classification: Likely benign. Last evaluated: 2026-10-01. Review status: criteria provided, single submitter. Criteria: CeGaT Center For Human Genetics Tuebingen Variant Classification Criteria Version 2. Collection method: clinical testing. Allele origin: germline. Affected: yes. Observed: 1 variant allele.
Comment: PKHD1: BP4, BP7

Labcorp Genetics (formerly Invitae), Labcorp
Classification: Benign for Autosomal recessive polycystic kidney disease. Last evaluated: 2026-02-01. Review status: criteria provided, single submitter. Criteria: Invitae Variant Classification Sherloc (09022015). Collection method: clinical testing. Allele origin: germline.

Blueprint Genetics
Classification: Likely benign. Last evaluated: 2024-11-21. Review status: criteria provided, single submitter. Criteria: ACMG Guidelines, 2015. Collection method: clinical testing. Allele origin: germline.

Eurofins Ntd Llc (ga)
Classification: Uncertain significance. Last evaluated: 2018-08-29. Review status: criteria provided, single submitter. Criteria: EGL ClinVar v180209 classification definitions. Collection method: clinical testing. Allele origin: germline. Observed: 8 variant alleles, 8 heterozygotes.

Illumina Laboratory Services, Illumina
Classification: Uncertain significance for Polycystic kidney disease 4. Last evaluated: 2018-01-13. Review status: criteria provided, single submitter. Criteria: ICSL Variant Classification Criteria 13 December 2019. Collection method: clinical testing. Allele origin: germline.

Natera, Inc.
Classification: Likely benign for Autosomal recessive polycystic kidney disease. Last evaluated: 2020-04-14. Review status: no assertion criteria provided. Collection method: clinical testing. Allele origin: germline. Not counted in ClinVar's aggregate classification.

Genome Diagnostics Laboratory, University Medical Center Utrecht
Classification: Likely benign. Review status: no assertion criteria provided. Collection method: clinical testing. Allele origin: germline. Affected: yes. Study: VKGL Data-share Consensus. Not counted in ClinVar's aggregate classification.

Laboratory of Diagnostic Genome Analysis, Leiden University Medical Center (LUMC)
Classification: Likely benign. Review status: no assertion criteria provided. Collection method: clinical testing. Allele origin: germline. Affected: yes. Study: VKGL Data-share Consensus. Not counted in ClinVar's aggregate classification.